The following is an entry in ClinVar:

ClinVar aggregate classification (germline): Benign/Likely benign. Review status: criteria provided, multiple submitters, no conflicts (2 of 4 stars). 9 submissions from 9 submitters: Benign (8); Likely benign (1). Last evaluated 2026-02-02.

Conditions:
Primary ciliary dyskinesia 14. Also called: CILIARY DYSKINESIA, PRIMARY, 14, WITH OR WITHOUT SITUS INVERSUS. Identifiers: Orphanet 244, MedGen C3151136, MONDO:0013434, OMIM 613807.
Primary ciliary dyskinesia. Also called: Ciliary dyskinesia. Identifiers: Orphanet 244, MedGen C0008780, MONDO:0016575, HP:0012265.

Allele frequency attached by ClinVar (database versions not stated): TOPMed 0.00778; ExAC 0.01023; ESP Exome Variant Server 0.00330; 1000 Genomes Project 30x 0.01171; gnomAD 0.00485; 1000 Genomes Project 0.01258.
gnomAD v4.1: 7,936 of 1,590,776 alleles (0.5%); highest among the groups gnomAD compares: East Asian, 4.5%; 77 homozygotes.

Submissions (9):

Labcorp Genetics (formerly Invitae), Labcorp
Classification: Benign for Primary ciliary dyskinesia. Last evaluated: 2026-02-02. Review status: criteria provided, single submitter. Criteria: Invitae Variant Classification Sherloc (09022015). Collection method: clinical testing. Allele origin: germline.

ARUP Laboratories, Molecular Genetics and Genomics, ARUP Laboratories
Classification: Benign. Last evaluated: 2023-10-11. Review status: criteria provided, single submitter. Criteria: ARUP Molecular Germline Variant Investigation Process 2024. Collection method: clinical testing. Allele origin: germline.

Fulgent Genetics
Classification: Likely benign for Primary ciliary dyskinesia 14. Last evaluated: 2022-01-17. Review status: criteria provided, single submitter. Criteria: ACMG Guidelines, 2015. Collection method: clinical testing. Allele origin: unknown.

GeneDx
Classification: Benign. Last evaluated: 2021-05-04. Review status: criteria provided, single submitter. Criteria: GeneDx Variant Classification Process June 2021. Collection method: clinical testing. Allele origin: germline. Affected: yes.

Ambry Genetics
Classification: Benign for Primary ciliary dyskinesia. Last evaluated: 2018-02-19. Review status: criteria provided, single submitter. Criteria: Ambry Variant Classification Scheme 2023. Collection method: clinical testing. Allele origin: germline.

Illumina Laboratory Services, Illumina
Classification: Benign for Primary ciliary dyskinesia 14. Last evaluated: 2018-01-13. Review status: criteria provided, single submitter. Criteria: ICSL Variant Classification Criteria 13 December 2019. Collection method: clinical testing. Allele origin: germline.
Comment: This variant was observed in the ICSL laboratory as part of a predisposition screen in an ostensibly healthy population. It had not been previously curated by ICSL or reported in the Human Gene Mutation Database (HGMD: prior to June 1st, 2018), and was therefore a candidate for classification through an automated scoring system. Utilizing variant allele frequency, disease prevalence and penetrance estimates, and inheritance mode, an automated score was calculated to assess if this variant is too frequent to cause the disease. Based on the score and internal cut-off values, a variant classified as benign is not then subjected to further curation. The score for this variant resulted in a classification of benign for this disease.

Laboratory for Molecular Medicine, Mass General Brigham Personalized Medicine
Classification: Benign. Last evaluated: 2013-02-21. Review status: criteria provided, single submitter. Criteria: LMM Criteria. Collection method: clinical testing. Allele origin: germline. Observed: 1 variant allele.
Comment: Arg811His in exon 18 of CCDC39: This variant is not expected to have clinical si gnificance because it has been identified in 6.2% (12/194) of Han Chinese chromo somes from a broad population by the 1000 Genomes Project (dbSNP rs61733583).

Breakthrough Genomics
Classification: Benign. Review status: criteria provided, single submitter. Criteria: ACMG Guidelines, 2015. Collection method: not provided. Allele origin: germline. Inheritance: Autosomal recessive inheritance. Affected: yes.

PreventionGenetics, part of Exact Sciences
Classification: Benign. Review status: criteria provided, single submitter. Criteria: ACMG Guidelines, 2015. Collection method: clinical testing. Allele origin: germline.

NM_181426.2(CCDC39):c.2432G>A (p.Arg811His)

Genes: CCDC39 (coiled-coil domain 39 molecular ruler complex subunit; minus strand), TTC14 (tetratricopeptide repeat domain 14; plus strand). Cytogenetic location: 3q26.33.
Variant type: single nucleotide variant.
Coding change: c.2432G>A on transcript NM_181426.2 (MANE Select); coding-DNA position 2432, G replaced by A.
Protein change: p.Arg811His; replaces arginine 811 with histidine.
Molecular consequence: missense variant. On other transcripts: intron variant (1).
Genome position (GRCh38, 1-based): chr3:180,616,670, C>T on the plus strand (G>A on the coding strand, the complement: CCDC39 is on the minus strand). VCF-style: chr3-180616670-C-T. GRCh37 (hg19) VCF-style: chr3-180334458-C-T.
Other names: c.1775-710C>T (NM_001288582.2); short protein forms R811H.
Identifiers: ClinVar variation 162838 (VCV000162838.27), dbSNP rs61733583, ClinGen allele CA175411.